The following is an entry in ClinVar:

NM_001042492.3(NF1):c.3276del (p.Val1093fs)

Gene: NF1 (neurofibromin 1; plus strand). Cytogenetic location: 17q11.2.
Variant type: Deletion.
Coding change: c.3276del on transcript NM_001042492.3 (MANE Select); coding-DNA position 3276, one base deleted (T; older notation c.3276delT).
Protein change: p.Val1093fs; shifts the reading frame from valine 1093.
Molecular consequence: frameshift variant.
Genome position (GRCh38, 1-based): chr17:31,232,151, T deleted. VCF-style (leftmost placement, unchanged base first): chr17-31232150-GT-G. GRCh37 (hg19) VCF-style: chr17-29559168-GT-G.
Other names: c.3276delT, p.Val1093Trpfs (NM_000267.4); short protein forms V1093fs.
Identifiers: ClinVar variation 841871 (VCV000841871.6), dbSNP rs2067123964, ClinGen allele CA916080654.

ClinVar aggregate classification (germline): Pathogenic (1 of 4 stars; one submission).

Conditions:
Neurofibromatosis, type 1 (NF1). Also called: Peripheral type neurofibromatosis; VON RECKLINGHAUSEN DISEASE; Neurofibromatosis, type I; NEUROFIBROMATOSIS, TYPE I, SOMATIC. Identifiers: Orphanet 636, MedGen C0027831, MONDO:0018975, OMIM 162200. Disease mechanism: loss of function.

Submission:

Labcorp Genetics (formerly Invitae), Labcorp
Classification: Pathogenic for Neurofibromatosis, type 1. Last evaluated: 2019-05-01. Review status: criteria provided, single submitter. Criteria: Invitae Variant Classification Sherloc (09022015). Collection method: clinical testing. Allele origin: germline.
Comment: Loss-of-function variants in NF1 are known to be pathogenic (PMID: 10712197, 23913538). This variant has not been reported in the literature in individuals with NF1-related conditions. This variant is not present in population databases (ExAC no frequency). This sequence change creates a premature translational stop signal (p.Val1093Trpfs*3) in the NF1 gene. It is expected to result in an absent or disrupted protein product. For these reasons, this variant has been classified as Pathogenic.

Literature cited by the submitters: PubMed 10712197; PubMed 23913538.